The following is an entry in ClinVar:

NM_000053.4(ATP7B):c.3244-1G>A

Gene: ATP7B (ATPase copper transporting beta; minus strand). Cytogenetic location: 13q14.3.
Variant type: single nucleotide variant.
Coding change: c.3244-1G>A on transcript NM_000053.4 (MANE Select); the canonical splice acceptor site of the intron before coding-DNA position 3244, G replaced by A.
Molecular consequence: splice acceptor variant.
Genome position (GRCh38, 1-based): chr13:51,942,555, C>T on the plus strand (G>A on the coding strand, the complement: ATP7B is on the minus strand). VCF-style: chr13-51942555-C-T. GRCh37 (hg19) VCF-style: chr13-52516691-C-T.
Other names: c.3004-1G>A (NM_001406530.1); c.3148-1G>A (NM_001406517.1, NM_001406518.1); c.2758-1G>A (NM_001406541.1, NM_001406542.1); c.2992-1G>A (NM_001406531.1, NM_001406532.1, NM_001330579.2); c.3010-1G>A (NM_001406527.1, NM_001406528.1, NM_001406538.1 and 1 more transcripts); c.2905-1G>A (NM_001406537.1); c.3100-1G>A (NM_001406521.1, NM_001406522.1, NM_001406520.1); c.3238-1G>A (NM_001406513.1); and 19 more.
Identifiers: ClinVar variation 1427356 (VCV001427356.6), dbSNP rs2138859417, ClinGen allele CA388029063.

ClinVar aggregate classification (germline): Pathogenic (1 of 4 stars; one submission).

Conditions:
Wilson disease (WND). Also called: Wilson's disease. Identifiers: Orphanet 905, MedGen C0019202, MONDO:0010200, OMIM 277900. Disease mechanism: loss of function.

Submission:

Labcorp Genetics (formerly Invitae), Labcorp
Classification: Pathogenic for Wilson disease. Last evaluated: 2021-07-13. Review status: criteria provided, single submitter. Criteria: Invitae Variant Classification Sherloc (09022015). Collection method: clinical testing. Allele origin: germline.
Comment: Disruption of this splice site has been observed in individual(s) with Wilson disease (PMID: 21796144, 29356957). For these reasons, this variant has been classified as Pathogenic. Algorithms developed to predict the effect of sequence changes on RNA splicing suggest that this variant may disrupt the consensus splice site. This variant is not present in population databases (ExAC no frequency). This sequence change affects an acceptor splice site in intron 14 of the ATP7B gene. It is expected to disrupt RNA splicing. Variants that disrupt the donor or acceptor splice site typically lead to a loss of protein function (PMID: 16199547), and loss-of-function variants in ATP7B are known to be pathogenic (PMID: 10441329, 16283883).

Literature cited by the submitters: PubMed 21796144; PubMed 29356957; PubMed 16199547; PubMed 10441329; PubMed 16283883.